The following is an entry in ClinVar:

NM_017636.4(TRPM4):c.3293G>T (p.Ser1098Ile)

Gene: TRPM4 (transient receptor potential cation channel subfamily M member 4; plus strand). Cytogenetic location: 19q13.33.
Variant type: single nucleotide variant.
Coding change: c.3293G>T on transcript NM_017636.4 (MANE Select); coding-DNA position 3293, G replaced by T.
Protein change: p.Ser1098Ile; replaces serine 1098 with isoleucine.
Molecular consequence: missense variant.
Genome position (GRCh38, 1-based): chr19:49,210,370, G>T. VCF-style: chr19-49210370-G-T. GRCh37 (hg19) VCF-style: chr19-49713627-G-T.
Other names: c.2858G>T, p.Ser953Ile (NM_001195227.2); c.2948G>T, p.Ser983Ile (NM_001321281.2); c.1685G>T, p.Ser562Ile (NM_001321282.2); c.2771G>T, p.Ser924Ile (NM_001321283.2); c.2231G>T, p.Ser744Ile (NM_001321285.2); short protein forms S1098I, S562I, S744I, S924I, S953I, S983I.
Identifiers: ClinVar variation 1729870 (VCV001729870.6), dbSNP rs140418645, ClinGen allele CA9569842.

ClinVar aggregate classification (germline): Uncertain significance. Review status: criteria provided, multiple submitters, no conflicts (2 of 4 stars). 2 submissions from 2 submitters: Uncertain significance (2). Last evaluated 2025-09-12.

Conditions:
Progressive familial heart block type IB (PFHB1B). Identifiers: Orphanet 871, MedGen C1970298, MONDO:0011474, OMIM 604559.
Cardiovascular phenotype. Identifiers: MedGen CN230736.

Allele frequency attached by ClinVar (database versions not stated): ESP Exome Variant Server 0.00015.

Submissions (2):

Ambry Genetics
Classification: Uncertain significance for Cardiovascular phenotype. Last evaluated: 2025-09-12. Review status: criteria provided, single submitter. Criteria: Ambry Variant Classification Scheme 2023. Collection method: clinical testing. Allele origin: germline.
Comment: The p.S1098I variant (also known as c.3293G>T), located in coding exon 21 of the TRPM4 gene, results from a G to T substitution at nucleotide position 3293. The serine at codon 1098 is replaced by isoleucine, an amino acid with dissimilar properties. This amino acid position is conserved. In addition, this alteration is predicted to be tolerated by in silico analysis. Since supporting evidence is limited at this time, the clinical significance of this alteration remains unclear.

Labcorp Genetics (formerly Invitae), Labcorp
Classification: Uncertain significance for Progressive familial heart block type IB. Last evaluated: 2024-01-02. Review status: criteria provided, single submitter. Criteria: Invitae Variant Classification Sherloc (09022015). Collection method: clinical testing. Allele origin: germline.
Comment: This sequence change replaces serine, which is neutral and polar, with isoleucine, which is neutral and non-polar, at codon 1098 of the TRPM4 protein (p.Ser1098Ile). This variant is present in population databases (rs140418645, gnomAD 0.007%). This variant has not been reported in the literature in individuals affected with TRPM4-related conditions. ClinVar contains an entry for this variant (Variation ID: 1729870). An algorithm developed to predict the effect of missense changes on protein structure and function (PolyPhen-2) suggests that this variant is likely to be tolerated. In summary, the available evidence is currently insufficient to determine the role of this variant in disease. Therefore, it has been classified as a Variant of Uncertain Significance.